The following is an entry in ClinVar:

ClinVar aggregate classification (germline): Uncertain significance (1 of 4 stars; one submission).

Conditions:
Hereditary spastic paraplegia 11. Also called: Nakamura Osame syndrome; Autosomal recessive hereditary spastic paraplegia, mental impairment, and thin corpus callosum; Spastic Paraplegia 11; SPASTIC PARAPLEGIA, AUTOSOMAL RECESSIVE, COMPLICATED, WITH THIN CORPUS CALLOSUM; SPASTIC PARAPLEGIA, AUTOSOMAL RECESSIVE, WITH MENTAL IMPAIRMENT AND THIN CORPUS CALLOSUM; Spastic paraplegia, mental retardation and thin corpus callosum. Identifiers: Orphanet 2822, MedGen C1858479, MONDO:0011445, OMIM 604360.

Submission:

Labcorp Genetics (formerly Invitae), Labcorp
Classification: Uncertain significance for Hereditary spastic paraplegia 11. Last evaluated: 2023-08-04. Review status: criteria provided, single submitter. Criteria: Invitae Variant Classification Sherloc (09022015). Collection method: clinical testing. Allele origin: germline.
Comment: This sequence change replaces methionine, which is neutral and non-polar, with threonine, which is neutral and polar, at codon 808 of the SPG11 protein (p.Met808Thr). This variant has not been reported in the literature in individuals affected with SPG11-related conditions. This variant is not present in population databases (gnomAD no frequency). ClinVar contains an entry for this variant (Variation ID: 1407366). Advanced modeling of protein sequence and biophysical properties (such as structural, functional, and spatial information, amino acid conservation, physicochemical variation, residue mobility, and thermodynamic stability) performed at Invitae indicates that this missense variant is not expected to disrupt SPG11 protein function. In summary, the available evidence is currently insufficient to determine the role of this variant in disease. Therefore, it has been classified as a Variant of Uncertain Significance.

NM_025137.4(SPG11):c.2423T>C (p.Met808Thr)

Gene: SPG11 (SPG11 vesicle trafficking associated, spatacsin; minus strand). Cytogenetic location: 15q21.1.
Variant type: single nucleotide variant.
Coding change: c.2423T>C on transcript NM_025137.4 (MANE Select); coding-DNA position 2423, T replaced by C.
Protein change: p.Met808Thr; replaces methionine 808 with threonine.
Molecular consequence: missense variant.
Genome position (GRCh38, 1-based): chr15:44,622,241, A>G on the plus strand (T>C on the coding strand, the complement: SPG11 is on the minus strand). VCF-style: chr15-44622241-A-G. GRCh37 (hg19) VCF-style: chr15-44914439-A-G.
Other names: c.2423T>C, p.Met808Thr (NM_001160227.2); short protein forms M808T.
Identifiers: ClinVar variation 1407366 (VCV001407366.9), dbSNP rs1020636809, ClinGen allele CA392231858.